The following is an entry in ClinVar:

ClinVar aggregate classification (germline): Uncertain significance. Review status: criteria provided, multiple submitters, no conflicts (2 of 4 stars). 2 submissions from 2 submitters: Uncertain significance (2). Last evaluated 2023-09-27.

Conditions:
Primary ciliary dyskinesia. Also called: Ciliary dyskinesia. Identifiers: Orphanet 244, MedGen C0008780, MONDO:0016575, HP:0012265.

Allele frequency attached by ClinVar (database versions not stated): gnomAD exomes below 0.00001.

Submissions (2):

Labcorp Genetics (formerly Invitae), Labcorp
Classification: Uncertain significance for Primary ciliary dyskinesia. Last evaluated: 2023-09-27. Review status: criteria provided, single submitter. Criteria: Invitae Variant Classification Sherloc (09022015). Collection method: clinical testing. Allele origin: germline.
Comment: This sequence change replaces glycine, which is neutral and non-polar, with glutamic acid, which is acidic and polar, at codon 1050 of the RPGR (ORF15) protein (p.Gly1050Glu). The frequency data for this variant in the population databases is considered unreliable, as metrics indicate poor data quality at this position in the gnomAD database. This variant has not been reported in the literature in individuals affected with RPGR (ORF15)-related conditions. Advanced modeling of protein sequence and biophysical properties (such as structural, functional, and spatial information, amino acid conservation, physicochemical variation, residue mobility, and thermodynamic stability) performed at Invitae indicates that this missense variant is not expected to disrupt RPGR (ORF15) protein function. In summary, the available evidence is currently insufficient to determine the role of this variant in disease. Therefore, it has been classified as a Variant of Uncertain Significance.

Blueprint Genetics
Classification: Uncertain significance. Last evaluated: 2018-09-05. Review status: criteria provided, single submitter. Criteria: ACMG Guidelines, 2015. Collection method: clinical testing. Allele origin: germline.

NM_001034853.2(RPGR):c.3149G>A (p.Gly1050Glu)

Gene: RPGR (retinitis pigmentosa GTPase regulator; minus strand). Cytogenetic location: Xp11.4.
Variant type: single nucleotide variant.
Coding change: c.3149G>A on transcript NM_001034853.2 (MANE Select); coding-DNA position 3149, G replaced by A.
Protein change: p.Gly1050Glu; replaces glycine 1050 with glutamic acid.
Molecular consequence: missense variant. On other transcripts: intron variant (8).
Genome position (GRCh38, 1-based): chrX:38,285,850, C>T on the plus strand (G>A on the coding strand, the complement: RPGR is on the minus strand). VCF-style: chrX-38285850-C-T. GRCh37 (hg19) VCF-style: chrX-38145103-C-T.
Other names: c.1569+5109G>A (NM_001367249.1, NM_001367250.1); c.1902+1244G>A (NM_001367245.1); c.1386+5109G>A (NM_001367251.1); c.1719+1244G>A (NM_001367246.1); c.1572+5109G>A (NM_001367247.1); c.1905+1244G>A (NM_000328.3); c.1602+5109G>A (NM_001367248.1); short protein forms G1050E.
Identifiers: ClinVar variation 2722616 (VCV002722616.4), dbSNP rs866249611, ClinGen allele CA327914739.